The following is an entry in ClinVar:

NM_020381.4(PDSS2):c.500A>G (p.Asn167Ser)

Gene: PDSS2 (decaprenyl diphosphate synthase subunit 2; minus strand). Cytogenetic location: 6q21.
Variant type: single nucleotide variant.
Coding change: c.500A>G on transcript NM_020381.4 (MANE Select); coding-DNA position 500, A replaced by G.
Protein change: p.Asn167Ser; replaces asparagine 167 with serine.
Molecular consequence: missense variant.
Genome position (GRCh38, 1-based): chr6:107,274,159, T>C on the plus strand (A>G on the coding strand, the complement: PDSS2 is on the minus strand). VCF-style: chr6-107274159-T-C. GRCh37 (hg19) VCF-style: chr6-107595363-T-C.
Other names: short protein forms N167S.
Identifiers: ClinVar variation 1481116 (VCV001481116.6), dbSNP rs201218141, ClinGen allele CA3946104.

ClinVar aggregate classification (germline): Uncertain significance. Review status: criteria provided, multiple submitters, no conflicts (2 of 4 stars). 3 submissions from 3 submitters: Uncertain significance (3). Last evaluated 2024-05-31.

Conditions:
Coenzyme Q10 deficiency, primary, 3 (COQ10D3). Identifiers: Orphanet 255249, MedGen C3553358, MONDO:0013838, OMIM 614652.

Allele frequency attached by ClinVar (database versions not stated): ExAC 0.00001; gnomAD 0.00001; gnomAD exomes 0.00001; TOPMed 0.00001; 1000 Genomes Project 30x 0.00016; 1000 Genomes Project 0.00020.
gnomAD v4.1: 18 of 1,613,970 alleles (0.0011%); highest among the groups gnomAD compares: Non-Finnish European, 0.0014%; no homozygotes.

Submissions (3):

Blueprint Genetics
Classification: Uncertain significance. Last evaluated: 2024-05-31. Review status: criteria provided, single submitter. Criteria: ACMG Guidelines, 2015. Collection method: clinical testing. Allele origin: germline.

Fulgent Genetics
Classification: Uncertain significance for Coenzyme Q10 deficiency, primary, 3. Last evaluated: 2024-03-22. Review status: criteria provided, single submitter. Criteria: ACMG Guidelines, 2015. Collection method: clinical testing. Allele origin: germline.

Labcorp Genetics (formerly Invitae), Labcorp
Classification: Uncertain significance. Last evaluated: 2022-07-30. Review status: criteria provided, single submitter. Criteria: Invitae Variant Classification Sherloc (09022015). Collection method: clinical testing. Allele origin: germline.
Comment: This sequence change replaces asparagine, which is neutral and polar, with serine, which is neutral and polar, at codon 167 of the PDSS2 protein (p.Asn167Ser). This variant is present in population databases (rs201218141, gnomAD 0.002%). This variant has not been reported in the literature in individuals affected with PDSS2-related conditions. ClinVar contains an entry for this variant (Variation ID: 1481116). Algorithms developed to predict the effect of missense changes on protein structure and function are either unavailable or do not agree on the potential impact of this missense change (SIFT: "Tolerated"; PolyPhen-2: "Probably Damaging"; Align-GVGD: "Class C0"). Algorithms developed to predict the effect of sequence changes on RNA splicing suggest that this variant may create or strengthen a splice site. In summary, the available evidence is currently insufficient to determine the role of this variant in disease. Therefore, it has been classified as a Variant of Uncertain Significance.